The following is an entry in ClinVar:

NM_007076.3(FICD):c.852C>T (p.Ser284=)

Gene: FICD (FIC domain protein adenylyltransferase; plus strand). Cytogenetic location: 12q23.3.
Variant type: single nucleotide variant.
Coding change: c.852C>T on transcript NM_007076.3 (MANE Select); coding-DNA position 852, C replaced by T.
Protein change: p.Ser284=; no amino-acid change (serine 284 retained).
Molecular consequence: synonymous variant.
Genome position (GRCh38, 1-based): chr12:108,518,950, C>T. VCF-style: chr12-108518950-C-T. GRCh37 (hg19) VCF-style: chr12-108912727-C-T.
Identifiers: ClinVar variation 4821241 (VCV004821241.4).
Genomic context (GRCh38, chr12:108,518,950, plus strand): 5'-CATAGGCATGCATGCAGCCATGAAGTACATCAACACGACTCTGGTTTCGCGCATCGGCTC[C>T]GTCACCATCAGCGACGTGCTGGAGATCCACAGGCGGGTGCTGGGCTACGTGGACCCCGTG-3'
Protein context (NP_009007.2, residues 274-294): INTTLVSRIG[Ser284=]VTISDVLEIH

ClinVar aggregate classification (germline): Likely benign (1 of 4 stars; one submission).

gnomAD v4.1: 121 of 1,614,064 alleles (0.0075%); highest among the groups gnomAD compares: African/African-American, 0.12%; no homozygotes.

Submission:

CeGaT Center for Human Genetics Tuebingen
Classification: Likely benign. Last evaluated: 2026-01-01. Review status: criteria provided, single submitter. Criteria: CeGaT Center For Human Genetics Tuebingen Variant Classification Criteria Version 2. Collection method: clinical testing. Allele origin: germline. Affected: yes. Observed: 1 variant allele.
Comment: FICD: BP4, BP7